The following is an entry in ClinVar:

ClinVar aggregate classification (germline): Likely benign. Review status: criteria provided, multiple submitters, no conflicts (2 of 4 stars). 2 submissions from 2 submitters: Likely benign (2). Last evaluated 2026-01-28.

Conditions:
Malignant hyperthermia, susceptibility to, 1 (MHS1). Also called: Malignant hyperthermia suceptibility 1; Anesthesia related hyperthermia; Malignant hyperpyrexia; Fulminating hyperpyrexia; Pharmacogenic myopathy; RYR1-Related Malignant Hyperthermia Susceptibility. Identifiers: Orphanet 423, MedGen C2930980, MONDO:0007783, OMIM 145600.
RYR1-related disorder. Also called: RYR1-related condition; RYR1-related disorders. Identifiers: MedGen CN239331.

Allele frequency attached by ClinVar (database versions not stated): gnomAD exomes below 0.00001.
gnomAD v4.1: 1 of 1,614,122 alleles (0.000062%); highest among the groups gnomAD compares: South Asian, 0.0011%; no homozygotes.

Submissions (2):

Labcorp Genetics (formerly Invitae), Labcorp
Classification: Likely benign for RYR1-related disorder. Last evaluated: 2026-01-28. Review status: criteria provided, single submitter. Criteria: Invitae Variant Classification Sherloc (09022015). Collection method: clinical testing. Allele origin: germline.

All of Us Research Program, National Institutes of Health
Classification: Likely benign for Malignant hyperthermia, susceptibility to, 1. Last evaluated: 2023-10-23. Review status: criteria provided, single submitter. Criteria: ACMG Guidelines, 2015. Collection method: clinical testing. Allele origin: germline. Inheritance: Autosomal dominant inheritance. Observed: 1 variant allele, 1 heterozygote.
Comment: This study involves interpretation of variants in research participants for the purpose of population health screening. Participant phenotype was not available at the time of variant classification. Additional details can be found in publication PMID: 35346344, PMCID: PMC8962531

NM_000540.3(RYR1):c.4359C>A (p.Thr1453=)

Gene: RYR1 (ryanodine receptor 1; plus strand). Cytogenetic location: 19q13.2.
Variant type: single nucleotide variant.
Coding change: c.4359C>A on transcript NM_000540.3 (MANE Select); coding-DNA position 4359, C replaced by A.
Protein change: p.Thr1453=; no amino-acid change (threonine 1453 retained).
Molecular consequence: synonymous variant.
Genome position (GRCh38, 1-based): chr19:38,477,775, C>A. VCF-style: chr19-38477775-C-A. GRCh37 (hg19) VCF-style: chr19-38968415-C-A.
Other names: c.4359C>A, p.Thr1453= (NM_001042723.2).
Identifiers: ClinVar variation 1595299 (VCV001595299.9), dbSNP rs1265582299, ClinGen allele CA507236330.
Genomic context (GRCh38, chr19:38,477,775, plus strand): 5'-TTACTCCGTGAGGGTCTTTGCTGGACAGGAGCCCAGCTGCGTGTGGGCGGGCTGGGTCAC[C>A]CCTGACTACCATCAGCACGACATGAGCTTCGACCTCAGCAAGGTCCGGGTCGTGACGGTG-3'
Protein context (NP_000531.2, residues 1443-1463): EPSCVWAGWV[Thr1453=]PDYHQHDMSF